The following is an entry in ClinVar:

NM_016239.4(MYO15A):c.1787G>A (p.Arg596Gln)

Gene: MYO15A (myosin XVA; plus strand). Cytogenetic location: 17p11.2.
Variant type: single nucleotide variant.
Coding change: c.1787G>A on transcript NM_016239.4 (MANE Select); coding-DNA position 1787, G replaced by A.
Protein change: p.Arg596Gln; replaces arginine 596 with glutamine.
Molecular consequence: missense variant.
Genome position (GRCh38, 1-based): chr17:18,120,587, G>A. VCF-style: chr17-18120587-G-A. GRCh37 (hg19) VCF-style: chr17-18023901-G-A.
Other names: short protein forms R596Q.
Identifiers: ClinVar variation 3893431 (VCV003893431.1).
Genomic context (GRCh38, chr17:18,120,587, plus strand): 5'-TCAAGAAGACGCTGTCGGAGAAGAAGCCCATCGCGCGGCTCAGGGGCAGCCAGAAGGCCC[G>A]GGCGGGCGGCCCTGCTGTCAGGGAGGCGGCCTACAAACGCTTCGGCTACAAGCTGGCTGG-3'
Protein context (NP_057323.3, residues 586-606): IARLRGSQKA[Arg596Gln]AGGPAVREAA

ClinVar aggregate classification (germline): Uncertain significance (1 of 4 stars; one submission).

Submission:

GeneDx
Classification: Uncertain significance. Last evaluated: 2024-10-23. Review status: criteria provided, single submitter. Criteria: GeneDx Variant Classification Process June 2021. Collection method: clinical testing. Allele origin: germline. Affected: yes.
Comment: Not observed at significant frequency in large population cohorts (gnomAD); In silico analysis indicates that this missense variant does not alter protein structure/function; Has not been previously published as pathogenic or benign to our knowledge